The following is an entry in ClinVar:

NM_001114753.3(ENG):c.824G>A (p.Gly275Glu)

Gene: ENG (endoglin; minus strand). Cytogenetic location: 9q34.11.
Variant type: single nucleotide variant.
Coding change: c.824G>A on transcript NM_001114753.3 (MANE Select); coding-DNA position 824, G replaced by A.
Protein change: p.Gly275Glu; replaces glycine 275 with glutamic acid.
Molecular consequence: missense variant.
Genome position (GRCh38, 1-based): chr9:127,824,967, C>T on the plus strand (G>A on the coding strand, the complement: ENG is on the minus strand). VCF-style: chr9-127824967-C-T. GRCh37 (hg19) VCF-style: chr9-130587246-C-T.
Other names: c.824G>A (NM_001114753.1); c.824G>A, p.Gly275Glu (NM_000118.4, NM_001406715.1); c.278G>A, p.Gly93Glu (NM_001278138.2); short protein forms G275E, G93E.
Identifiers: ClinVar variation 1393068 (VCV001393068.10), dbSNP rs2131887192, ClinGen allele CA374982862.

ClinVar aggregate classification (germline): Uncertain significance. Review status: criteria provided, multiple submitters, no conflicts (2 of 4 stars). 2 submissions from 2 submitters: Uncertain significance (2). Last evaluated 2026-05-27.

Conditions:
Hereditary hemorrhagic telangiectasia (HHT). Also called: ORW DISEASE; Osler Weber Rendu syndrome; OSLER-RENDU-WEBER DISEASE; Osler hemorrhagic telangiectasia syndrome. Identifiers: Orphanet 774, MedGen C0039445, MONDO:0019180. Disease mechanism: loss of function.
Cardiovascular phenotype. Identifiers: MedGen CN230736.

Allele frequency attached by ClinVar (database versions not stated): gnomAD exomes below 0.00001.

Submissions (2):

Ambry Genetics
Classification: Uncertain significance for Cardiovascular phenotype. Last evaluated: 2026-05-27. Review status: criteria provided, single submitter. Criteria: Ambry Variant Classification Scheme 2023. Collection method: clinical testing. Allele origin: germline.
Comment: The p.G275E variant (also known as c.824G>A), located in coding exon 7 of the ENG gene, results from a G to A substitution at nucleotide position 824. The glycine at codon 275 is replaced by glutamic acid, an amino acid with similar properties. This amino acid position is conserved. In addition, the in silico prediction for this alteration is inconclusive. Based on the available evidence, the clinical significance of this variant remains unclear.

Labcorp Genetics (formerly Invitae), Labcorp
Classification: Uncertain significance for Hereditary hemorrhagic telangiectasia. Last evaluated: 2020-12-01. Review status: criteria provided, single submitter. Criteria: Invitae Variant Classification Sherloc (09022015). Collection method: clinical testing. Allele origin: germline.
Comment: This variant is not present in population databases (ExAC no frequency). This sequence change replaces glycine with glutamic acid at codon 275 of the ENG protein (p.Gly275Glu). The glycine residue is moderately conserved and there is a moderate physicochemical difference between glycine and glutamic acid. This variant has not been reported in the literature in individuals with ENG-related conditions. In summary, the available evidence is currently insufficient to determine the role of this variant in disease. Therefore, it has been classified as a Variant of Uncertain Significance. Advanced modeling of protein sequence and biophysical properties (such as structural, functional, and spatial information, amino acid conservation, physicochemical variation, residue mobility, and thermodynamic stability) performed at Invitae indicates that this missense variant is expected to disrupt ENG protein function.